The following is an entry in ClinVar:

ClinVar aggregate classification (germline): Benign/Likely benign. Review status: criteria provided, multiple submitters, no conflicts (2 of 4 stars). 5 submissions from 5 submitters: Benign (2); Likely benign (3). Last evaluated 2024-10-03.

Allele frequency attached by ClinVar (database versions not stated): ExAC 0.00089; gnomAD 0.00240 and 0.00262; TOPMed 0.00269; ESP Exome Variant Server 0.00340; 1000 Genomes Project 0.00379; 1000 Genomes Project 30x 0.00406.
gnomAD v4.1: 698 of 1,584,958 alleles (0.044%); highest among the groups gnomAD compares: African/African-American, 0.87%; 5 homozygotes.

Submissions (5):

Blueprint Genetics
Classification: Likely benign. Last evaluated: 2024-10-03. Review status: criteria provided, single submitter. Criteria: ACMG Guidelines, 2015. Collection method: clinical testing. Allele origin: germline.

CeGaT Center for Human Genetics Tuebingen
Classification: Likely benign. Last evaluated: 2023-12-01. Review status: criteria provided, single submitter. Criteria: CeGaT Center For Human Genetics Tuebingen Variant Classification Criteria Version 2. Collection method: clinical testing. Allele origin: germline. Affected: yes. Observed: 1 variant allele.
Comment: NBEA: BP4, BP7, BS1

Mayo Clinic Laboratories, Mayo Clinic
Classification: Likely benign. Last evaluated: 2023-11-16. Review status: criteria provided, single submitter. Criteria: ACMG Guidelines, 2015. Collection method: clinical testing. Allele origin: germline. Observed: 2 variant alleles.
Comment: BS1, BP4, BP7

Labcorp Genetics (formerly Invitae), Labcorp
Classification: Benign. Last evaluated: 2019-12-31. Review status: criteria provided, single submitter. Criteria: Invitae Variant Classification Sherloc (09022015). Collection method: clinical testing. Allele origin: germline.

Breakthrough Genomics
Classification: Benign. Review status: criteria provided, single submitter. Criteria: ACMG Guidelines, 2015. Collection method: not provided. Allele origin: germline. Inheritance: Autosomal dominant inheritance. Affected: yes.

NM_001385012.1(NBEA):c.7029A>C (p.Leu2343=)

Gene: NBEA (neurobeachin; plus strand). Cytogenetic location: 13q13.3.
Variant type: single nucleotide variant.
Coding change: c.7029A>C on transcript NM_001385012.1 (MANE Select); coding-DNA position 7029, A replaced by C.
Protein change: p.Leu2343=; no amino-acid change (leucine 2343 retained).
Molecular consequence: synonymous variant.
Genome position (GRCh38, 1-based): chr13:35,567,011, A>C. VCF-style: chr13-35567011-A-C. GRCh37 (hg19) VCF-style: chr13-36141148-A-C.
Other names: p.Leu2343=; c.408A>C, p.Leu136= (NM_001204197.3); c.7020A>C, p.Leu2340= (NM_001379245.1); c.7029A>C, p.Leu2343= (NM_015678.5).
Identifiers: ClinVar variation 714578 (VCV000714578.29), dbSNP rs143125033, ClinGen allele CA6947654.